The following is an entry in ClinVar:

NM_182699.4(DDX53):c.185T>C (p.Val62Ala)

Genes: DDX53 (DEAD-box helicase 53; plus strand), PTCHD1-AS (PTCHD1 antisense RNA (head to head); minus strand). Cytogenetic location: Xp22.11.
Variant type: single nucleotide variant.
Coding change: c.185T>C on transcript NM_182699.4 (MANE Select); coding-DNA position 185, T replaced by C.
Protein change: p.Val62Ala; replaces valine 62 with alanine.
Molecular consequence: missense variant.
Genome position (GRCh38, 1-based): chrX:23,000,242, T>C. VCF-style: chrX-23000242-T-C. GRCh37 (hg19) VCF-style: chrX-23018359-T-C.
Other names: short protein forms V62A.
Identifiers: ClinVar variation 3055405 (VCV003055405.2), dbSNP rs4412516, ClinGen allele CA10368712.

ClinVar aggregate classification (germline): Benign (0 of 4 stars; one submission).

Conditions:
DDX53-related disorder. Also called: DDX53-related condition.

Allele frequency attached by ClinVar (database versions not stated): gnomAD exomes 0.00601; ExAC 0.02122; gnomAD 0.05502; 1000 Genomes Project 0.05907; 1000 Genomes Project 30x 0.06139; TOPMed 0.06418; ESP Exome Variant Server 0.06845.

Submission:

PreventionGenetics, part of Exact Sciences
Classification: Benign for DDX53-related condition. Last evaluated: 2019-11-25. Review status: no assertion criteria provided. Collection method: clinical testing. Allele origin: germline.
Comment: This variant is classified as benign based on ACMG/AMP sequence variant interpretation guidelines (Richards et al. 2015 PMID: 25741868, with internal and published modifications).